The following is an entry in ClinVar:

ClinVar aggregate classification (germline): Uncertain significance (1 of 4 stars; one submission).

Allele frequency attached by ClinVar (database versions not stated): gnomAD exomes below 0.00001.
gnomAD v4.1: 1 of 1,521,422 alleles (0.000066%); highest among the groups gnomAD compares: Non-Finnish European, 0.000088%; no homozygotes.

Submission:

Labcorp Genetics (formerly Invitae), Labcorp
Classification: Uncertain significance. Last evaluated: 2025-01-27. Review status: criteria provided, single submitter. Criteria: Invitae Variant Classification Sherloc (09022015). Collection method: clinical testing. Allele origin: germline.
Comment: This sequence change replaces arginine, which is basic and polar, with cysteine, which is neutral and slightly polar, at codon 3 of the CDHR1 protein (p.Arg3Cys). This variant is not present in population databases (gnomAD no frequency). This variant has not been reported in the literature in individuals affected with CDHR1-related conditions. ClinVar contains an entry for this variant (Variation ID: 2002681). Invitae Evidence Modeling of protein sequence and biophysical properties (such as structural, functional, and spatial information, amino acid conservation, physicochemical variation, residue mobility, and thermodynamic stability) indicates that this missense variant is not expected to disrupt CDHR1 protein function with a negative predictive value of 95%. In summary, the available evidence is currently insufficient to determine the role of this variant in disease. Therefore, it has been classified as a Variant of Uncertain Significance.

NM_033100.4(CDHR1):c.7C>T (p.Arg3Cys)

Gene: CDHR1 (cadherin related family member 1; plus strand). Cytogenetic location: 10q23.1.
Variant type: single nucleotide variant.
Coding change: c.7C>T on transcript NM_033100.4 (MANE Select); coding-DNA position 7, C replaced by T.
Protein change: p.Arg3Cys; replaces arginine 3 with cysteine.
Molecular consequence: missense variant.
Genome position (GRCh38, 1-based): chr10:84,194,767, C>T. VCF-style: chr10-84194767-C-T. GRCh37 (hg19) VCF-style: chr10-85954523-C-T.
Other names: c.7C>T, p.Arg3Cys (NM_001171971.3); short protein forms R3C.
Identifiers: ClinVar variation 2002681 (VCV002002681.4), dbSNP rs1841996352, ClinGen allele CA377369081.